The following is an entry in ClinVar:

NM_007294.4(BRCA1):c.5125G>C (p.Gly1709Arg)

Gene: BRCA1 (BRCA1 DNA repair associated; minus strand). Cytogenetic location: 17q21.31.
Variant type: single nucleotide variant.
Coding change: c.5125G>C on transcript NM_007294.4 (MANE Select); coding-DNA position 5125, G replaced by C.
Protein change: p.Gly1709Arg; replaces glycine 1709 with arginine.
Molecular consequence: missense variant. On other transcripts: non-coding transcript variant (1).
Genome position (GRCh38, 1-based): chr17:43,063,901, C>G on the plus strand (G>C on the coding strand, the complement: BRCA1 is on the minus strand). VCF-style: chr17-43063901-C-G. GRCh37 (hg19) VCF-style: chr17-41215918-C-G.
Other names: c.4912G>C, p.Gly1638Arg (NM_001407571.1, NM_001407904.1, NM_001407906.1 and 12 more transcripts); c.5191G>C, p.Gly1731Arg (NM_001407581.1, NM_001407582.1); c.5188G>C, p.Gly1730Arg (NM_001407583.1, NM_001407585.1, NM_001407587.1 and 1 more transcripts); c.5185G>C, p.Gly1729Arg (NM_001407590.1, NM_001407591.1); c.5125G>C, p.Gly1709Arg (NM_001407593.1, NM_001407594.1, NM_001407596.1 and 7 more transcripts); c.5122G>C, p.Gly1708Arg (NM_001407610.1, NM_001407611.1, NM_001407612.1 and 17 more transcripts); c.5119G>C, p.Gly1707Arg (NM_001407629.1, NM_001407630.1, NM_001407631.1 and 14 more transcripts); c.5065G>C, p.Gly1689Arg (NM_001407649.1); and 71 more; short protein forms G1662R, G1730R, G605R, G1709R, G1582R, G1596R, G1637R, G1667R.
Identifiers: ClinVar variation 867676 (VCV000867676.3), dbSNP rs886038197, ClinGen allele CA10591289.

Conditions:
Breast-ovarian cancer, familial, susceptibility to, 1 (BROVCA1). Also called: BRCA1 Hereditary Breast and Ovarian Cancer; OVARIAN CANCER, SUSCEPTIBILITY TO. Identifiers: Orphanet 145, MedGen C2676676, MONDO:0011450, OMIM 604370. Disease mechanism: loss of function.

Submission:

Brotman Baty Institute, University of Washington
No classification provided (evidence only). Condition: Breast-ovarian cancer, familial 1. Review status: no classification provided. Collection method: in vitro. Allele origin: not applicable. Functional consequence: functionally_normal.
ClinVar note: "not provided" was previously submitted as the classification for the variant. However, the classification appeared to be based only on an observation of functional data so it was converted to no classification on 2025-07-30.